The following is an entry in ClinVar:

ClinVar aggregate classification (germline): Pathogenic. Review status: criteria provided, multiple submitters, no conflicts (2 of 4 stars). 2 submissions from 2 submitters: Pathogenic (2). Last evaluated 2023-07-11.

Conditions:
Autosomal recessive nonsyndromic hearing loss 23. Identifiers: Orphanet 90636, MedGen C1836027, MONDO:0012293, OMIM 609533.

Submissions (2):

Baylor Genetics
Classification: Pathogenic for Autosomal recessive nonsyndromic hearing loss 23. Last evaluated: 2023-07-11. Review status: criteria provided, single submitter. Criteria: ACMG Guidelines, 2015. Collection method: clinical testing. Allele origin: unknown.

Labcorp Genetics (formerly Invitae), Labcorp
Classification: Pathogenic. Last evaluated: 2022-12-21. Review status: criteria provided, single submitter. Criteria: Invitae Variant Classification Sherloc (09022015). Collection method: clinical testing. Allele origin: germline.
Comment: This sequence change creates a premature translational stop signal (p.Tyr6*) in the PCDH15 gene. It is expected to result in an absent or disrupted protein product. Loss-of-function variants in PCDH15 are known to be pathogenic (PMID: 11398101, 11487575, 14570705). For these reasons, this variant has been classified as Pathogenic. This variant has not been reported in the literature in individuals affected with PCDH15-related conditions. This variant is not present in population databases (gnomAD no frequency).

Literature cited by the submitters: PubMed 11398101 (cited by Labcorp Genetics (formerly Invitae), Labcorp); PubMed 11487575 (cited by Labcorp Genetics (formerly Invitae), Labcorp); PubMed 14570705 (cited by Labcorp Genetics (formerly Invitae), Labcorp).

NM_001384140.1(PCDH15):c.17dup (p.Tyr6Ter)

Gene: PCDH15 (protocadherin related 15; minus strand). Cytogenetic location: 10q21.1.
Variant type: Duplication.
Coding change: c.17dup on transcript NM_001384140.1 (MANE Select); coding-DNA position 17, one base duplicated (A; older notation c.17dupA).
Protein change: p.Tyr6Ter; replaces tyrosine 6 with a stop codon.
Molecular consequence: nonsense. On other transcripts: frameshift variant (1).
Genome position (GRCh38, 1-based): chr10:54,664,246, T duplicated on the plus strand (A on the coding strand, the reverse complement: PCDH15 is on the minus strand). VCF-style (leftmost placement, unchanged base first): chr10-54664245-A-AT. GRCh37 (hg19) VCF-style: chr10-56424005-A-AT.
Other names: c.17dup, p.Tyr6Ter (NM_001142763.2, NM_001142764.2, NM_001142765.2 and 13 more transcripts); c.17dup, p.Tyr6Terfs (NM_001142769.4); short protein forms Y6*.
Identifiers: ClinVar variation 2677544 (VCV002677544.4), dbSNP rs2549545673, ClinGen allele CA2695199494.